The following is an entry in ClinVar:

NM_012260.4(HACL1):c.1341A>G (p.Gln447=)

Gene: HACL1 (2-hydroxyacyl-CoA lyase 1; minus strand). Cytogenetic location: 3p25.1.
Variant type: single nucleotide variant.
Coding change: c.1341A>G on transcript NM_012260.4 (MANE Select); coding-DNA position 1341, A replaced by G.
Protein change: p.Gln447=; no amino-acid change (glutamine 447 retained).
Molecular consequence: synonymous variant. On other transcripts: non-coding transcript variant (1).
Genome position (GRCh38, 1-based): chr3:15,567,912, T>C on the plus strand (A>G on the coding strand, the complement: HACL1 is on the minus strand). VCF-style: chr3-15567912-T-C. GRCh37 (hg19) VCF-style: chr3-15609419-T-C.
Other names: c.1260A>G, p.Gln420= (NM_001284413.2); c.1161A>G, p.Gln387= (NM_001284415.2); c.1095A>G, p.Gln365= (NM_001284416.2).
Identifiers: ClinVar variation 3051661 (VCV003051661.2), dbSNP rs2271020, ClinGen allele CA2276532.

ClinVar aggregate classification (germline): Likely benign (0 of 4 stars; one submission).

Conditions:
HACL1-related disorder. Also called: HACL1-related condition.

Allele frequency attached by ClinVar (database versions not stated): gnomAD exomes 0.00012; gnomAD 0.00013; 1000 Genomes Project 30x 0.00016; 1000 Genomes Project 0.00020; TOPMed 0.00020; ExAC 0.00029.

Submission:

PreventionGenetics, part of Exact Sciences
Classification: Likely benign for HACL1-related condition. Last evaluated: 2019-03-20. Review status: no assertion criteria provided. Collection method: clinical testing. Allele origin: germline.
Comment: This variant is classified as likely benign based on ACMG/AMP sequence variant interpretation guidelines (Richards et al. 2015 PMID: 25741868, with internal and published modifications).